The following is an entry in ClinVar:

NM_017514.5(PLXNA3):c.319C>T (p.Arg107Cys)

Gene: PLXNA3 (plexin A3; plus strand). Cytogenetic location: Xq28.
Variant type: single nucleotide variant.
Coding change: c.319C>T on transcript NM_017514.5 (MANE Select); coding-DNA position 319, C replaced by T.
Protein change: p.Arg107Cys; replaces arginine 107 with cysteine.
Molecular consequence: missense variant.
Genome position (GRCh38, 1-based): chrX:154,460,502, C>T. VCF-style: chrX-154460502-C-T. GRCh37 (hg19) VCF-style: chrX-153688842-C-T.
Other names: short protein forms R107C.
Identifiers: ClinVar variation 3045505 (VCV003045505.2), dbSNP rs147793684, ClinGen allele CA10563661.

ClinVar aggregate classification (germline): Likely benign (0 of 4 stars; one submission).

Conditions:
PLXNA3-related disorder. Also called: PLXNA3-related condition.

Allele frequency attached by ClinVar (database versions not stated): gnomAD 0.00032; ExAC 0.00035; ESP Exome Variant Server 0.00038.
gnomAD v4.1: 441 of 1,208,798 alleles (0.036%); highest among the groups gnomAD compares: South Asian, 0.058%; no homozygotes.

Submission:

PreventionGenetics, part of Exact Sciences
Classification: Likely benign for PLXNA3-related condition. Last evaluated: 2024-06-12. Review status: no assertion criteria provided. Collection method: clinical testing. Allele origin: germline.
Comment: This variant is classified as likely benign based on ACMG/AMP sequence variant interpretation guidelines (Richards et al. 2015 PMID: 25741868, with internal and published modifications).